The following is an entry in ClinVar:

ClinVar aggregate classification (germline): Uncertain significance (1 of 4 stars; one submission).

Submission:

Quest Diagnostics Nichols Institute San Juan Capistrano
Classification: Uncertain significance. Last evaluated: 2023-11-10. Review status: criteria provided, single submitter. Criteria: Quest Diagnostics criteria. Collection method: clinical testing. Allele origin: unknown.
Comment: The HBB c.*131G>A variant occurs after the beta globin polyadenylation signal and has not been reported in individuals with HBB-related conditions in the published literature. It also has not been reported in large, multi-ethnic general populations (Genome Aggregation Database). Based on the available information, we are unable to determine the clinical significance of this variant.

NM_000518.5(HBB):c.*131G>A

Genes: HBB (hemoglobin subunit beta; minus strand), LOC107133510 (origin of replication at HBB; plus strand), LOC110006319 (beta-globin gene 3' regulatory region; plus strand). Cytogenetic location: 11p15.4.
Variant type: single nucleotide variant.
Coding change: c.*131G>A on transcript NM_000518.5 (MANE Select); 131 bases downstream of the stop codon, G replaced by A.
Molecular consequence: 3 prime UTR variant.
Genome position (GRCh38, 1-based): chr11:5,225,467, C>T on the plus strand (G>A on the coding strand, the complement: HBB is on the minus strand). VCF-style: chr11-5225467-C-T. GRCh37 (hg19) VCF-style: chr11-5246697-C-T.
Identifiers: ClinVar variation 3572121 (VCV003572121.1).